The following is an entry in ClinVar:

NM_018006.5(TRMU):c.827C>T (p.Pro276Leu)

Gene: TRMU (tRNA mitochondrial 2-thiouridylase; plus strand). Cytogenetic location: 22q13.31.
Variant type: single nucleotide variant.
Coding change: c.827C>T on transcript NM_018006.5 (MANE Select); coding-DNA position 827, C replaced by T.
Protein change: p.Pro276Leu; replaces proline 276 with leucine.
Molecular consequence: missense variant. On other transcripts: non-coding transcript variant (2).
Genome position (GRCh38, 1-based): chr22:46,353,821, C>T. VCF-style: chr22-46353821-C-T. GRCh37 (hg19) VCF-style: chr22-46749718-C-T.
Other names: c.485C>T, p.Pro162Leu (NM_001282782.2); c.407C>T, p.Pro136Leu (NM_001282783.2, NM_001282784.2); c.827C>T, p.Pro276Leu (NM_001282785.2); short protein forms P136L, P162L, P276L.
Identifiers: ClinVar variation 4871718 (VCV004871718.2).

ClinVar aggregate classification (germline): Conflicting classifications of pathogenicity. Review status: criteria provided, conflicting classifications (1 of 4 stars). 2 submissions from 2 submitters: Likely pathogenic (1); Uncertain significance (1). Last evaluated 2026-05-19.

Conditions:
Possible mitochondrial disorder - nuclear genes.

Submissions (2):

Genetics Laboratory, Great Ormond Street Hospital NHS Foundation Trust, North Thames Genomic Laboratory Hub
Classification: Likely pathogenic for Possible mitochondrial disorder - nuclear genes. Last evaluated: 2026-05-19. Review status: criteria provided, single submitter. Criteria: ACGS Best Practice Guidelines for Variant Classification in Rare Disease 2024 v1.2. Collection method: clinical testing. Allele origin: germline. Affected: yes.
Comment: PM2_moderate, PP3_supporting, PM3_strong

Blueprint Genetics
Classification: Uncertain significance. Last evaluated: 2021-12-28. Review status: criteria provided, single submitter. Criteria: ACMG Guidelines, 2015. Collection method: clinical testing. Allele origin: germline.